The following is an entry in ClinVar:

ClinVar aggregate classification (germline): Uncertain significance (1 of 4 stars; one submission).

Conditions:
Early-infantile DEE. Also called: Early infantile epileptic encephalopathy with suppression bursts; Early infantile epileptic encephalopathy; Ohtahara syndrome. Identifiers: Orphanet 1934, MedGen C0393706, MONDO:0800491.

Submission:

Labcorp Genetics (formerly Invitae), Labcorp
Classification: Uncertain significance for Early-infantile DEE. Last evaluated: 2024-04-07. Review status: criteria provided, single submitter. Criteria: Invitae Variant Classification Sherloc (09022015). Collection method: clinical testing. Allele origin: germline.
Comment: This sequence change replaces methionine, which is neutral and non-polar, with isoleucine, which is neutral and non-polar, at codon 593 of the SPTAN1 protein (p.Met593Ile). This variant is not present in population databases (gnomAD no frequency). This variant has not been reported in the literature in individuals affected with SPTAN1-related conditions. Advanced modeling of protein sequence and biophysical properties (such as structural, functional, and spatial information, amino acid conservation, physicochemical variation, residue mobility, and thermodynamic stability) has been performed at Invitae for this missense variant, however the output from this modeling did not meet the statistical confidence thresholds required to predict the impact of this variant on SPTAN1 protein function. In summary, the available evidence is currently insufficient to determine the role of this variant in disease. Therefore, it has been classified as a Variant of Uncertain Significance.

NM_001130438.3(SPTAN1):c.1779G>A (p.Met593Ile)

Gene: SPTAN1 (spectrin alpha, non-erythrocytic 1; plus strand). Cytogenetic location: 9q34.11.
Variant type: single nucleotide variant.
Coding change: c.1779G>A on transcript NM_001130438.3 (MANE Select); coding-DNA position 1779, G replaced by A.
Protein change: p.Met593Ile; replaces methionine 593 with isoleucine.
Molecular consequence: missense variant.
Genome position (GRCh38, 1-based): chr9:128,582,822, G>A. VCF-style: chr9-128582822-G-A. GRCh37 (hg19) VCF-style: chr9-131345101-G-A.
Other names: c.1779G>A, p.Met593Ile (NM_001363765.2, NM_001375310.1, NM_001375311.2 and 5 more transcripts); c.1815G>A, p.Met605Ile (NM_001375312.2, NM_001375318.1); short protein forms M593I, M605I.
Identifiers: ClinVar variation 2739437 (VCV002739437.3), dbSNP rs2541158190, ClinGen allele CA375055244.